The following is an entry in ClinVar:

ClinVar aggregate classification (germline): Likely benign. Review status: criteria provided, multiple submitters, no conflicts (2 of 4 stars). 6 submissions from 6 submitters: Likely benign (4). 2 of the submissions do not count toward it. Last evaluated 2026-08-01.

Conditions:
TTN-related disorder. Also called: TTN-related condition; TTN-related disease; TTN-related disorders.

Allele frequency attached by ClinVar (database versions not stated): gnomAD exomes 0.00009 and 0.00012; TOPMed 0.00009; gnomAD 0.00013 and 0.00008; ExAC 0.00015; 1000 Genomes Project 30x 0.00047; 1000 Genomes Project 0.00060; ESP Exome Variant Server 0.00008.
gnomAD v4.1: 150 of 1,612,244 alleles (0.0093%); highest among the groups gnomAD compares: East Asian, 0.056%; 1 homozygote.

Submissions (6):

CeGaT Center for Human Genetics Tuebingen
Classification: Likely benign. Last evaluated: 2026-08-01. Review status: criteria provided, single submitter. Criteria: CeGaT Center For Human Genetics Tuebingen Variant Classification Criteria Version 2. Collection method: clinical testing. Allele origin: germline. Affected: yes. Observed: 2 variant alleles.
Comment: TTN: BP4, BP7

PreventionGenetics, part of Exact Sciences
Classification: Likely benign for TTN-related condition. Last evaluated: 2026-04-20. Review status: criteria provided, single submitter. Criteria: ACMG Guidelines, 2015. Collection method: clinical testing. Allele origin: germline.
Comment: This variant is classified as likely benign based on ACMG/AMP sequence variant interpretation guidelines (Richards et al. 2015 PMID: 25741868, with internal and published modifications).

Blueprint Genetics
Classification: Likely benign. Last evaluated: 2023-12-29. Review status: criteria provided, single submitter. Criteria: ACMG Guidelines, 2015. Collection method: clinical testing. Allele origin: germline.

GeneDx
Classification: Likely benign. Last evaluated: 2019-04-08. Review status: criteria provided, single submitter. Criteria: GeneDx Variant Classification Process June 2021. Collection method: clinical testing. Allele origin: germline. Affected: yes.

Clinical Genetics, Academic Medical Center
Classification: Benign. Review status: no assertion criteria provided. Collection method: clinical testing. Allele origin: germline. Affected: yes. Study: VKGL Data-share Consensus. Not counted in ClinVar's aggregate classification.

Joint Genome Diagnostic Labs from Nijmegen and Maastricht, Radboudumc and MUMC+
Classification: Likely benign. Review status: no assertion criteria provided. Collection method: clinical testing. Allele origin: germline. Affected: yes. Study: VKGL Data-share Consensus. Not counted in ClinVar's aggregate classification.

NM_133379.5(TTN):c.13632C>T (p.Asp4544=)

Gene: TTN (titin; minus strand). Cytogenetic location: 2q31.2.
Variant type: single nucleotide variant.
Coding change: c.13632C>T on transcript NM_133379.5; coding-DNA position 13632, C replaced by T.
Protein change: p.Asp4544=; no amino-acid change (aspartic acid 4544 retained).
Molecular consequence: synonymous variant. On other transcripts: intron variant (6).
Genome position (GRCh38, 1-based): chr2:178,748,768, G>A on the plus strand (C>T on the coding strand, the complement: TTN is on the minus strand). VCF-style: chr2-178748768-G-A. GRCh37 (hg19) VCF-style: chr2-179613495-G-A.
Other names: c.10222+4356C>T (NM_003319.4); c.13632C>T (NM_133379.4); c.10798+4356C>T (NM_133437.4); c.10597+4356C>T (NM_133432.3); c.10360+4356C>T (NM_133378.4, NM_001256850.1); c.11311+4356C>T (NM_001267550.2).
Identifiers: ClinVar variation 1192731 (VCV001192731.15), dbSNP rs146750710, ClinGen allele CA2003373.